The following is an entry in ClinVar:

ClinVar aggregate classification (germline): Conflicting classifications of pathogenicity. Review status: criteria provided, conflicting classifications (1 of 4 stars). 5 submissions from 5 submitters: Uncertain significance (4); Likely benign (1). Last evaluated 2025-10-31.

Conditions:
Cardiovascular phenotype. Identifiers: MedGen CN230736.
Dilated cardiomyopathy 1G (CMD1G). Identifiers: Orphanet 154, MedGen C1858763, MONDO:0011400, OMIM 604145.
Autosomal recessive limb-girdle muscular dystrophy type 2J (LGMDR10). Also called: Limb-girdle muscular dystrophy, type 2J; MUSCULAR DYSTROPHY, LIMB-GIRDLE, AUTOSOMAL RECESSIVE 10. Identifiers: Orphanet 140922, MedGen C1837342, MONDO:0012127, OMIM 608807.
Tibial muscular dystrophy (TMD). Also called: Tibial muscular dystrophy, tardive; Udd Distal Myopathy – Tibial Muscular Dystrophy; UDD MYOPATHY. Identifiers: Orphanet 609, MedGen C1838244, MONDO:0010870, OMIM 600334.
Myopathy, myofibrillar, 9, with early respiratory failure (MFM9). Also called: EDSTROM MYOPATHY; Hereditary myopathy with early respiratory failure; Myopathy, distal, with early respiratory failure, autosomal dominant; MYOPATHY, PROXIMAL, WITH EARLY RESPIRATORY MUSCLE INVOLVEMENT. Identifiers: Orphanet 178464, Orphanet 34521, MedGen C1863599, MONDO:0011362, OMIM 603689.
Hypertrophic cardiomyopathy 9. Also called: Familial hypertrophic cardiomyopathy 9. Identifiers: MedGen C1861065, MONDO:0013412, OMIM 613765.
Early-onset myopathy with fatal cardiomyopathy (CMYO5). Also called: Salih Myopathy; CONGENITAL MYOPATHY 5 WITH CARDIOMYOPATHY. Identifiers: Orphanet 289377, MedGen C2673677, MONDO:0012714, OMIM 611705. Disease mechanism: loss of function.

Submissions (5):

Ambry Genetics
Classification: Uncertain significance for Cardiovascular phenotype. Last evaluated: 2025-10-31. Review status: criteria provided, single submitter. Criteria: Ambry Variant Classification Scheme 2023. Collection method: clinical testing. Allele origin: germline.
Comment: The c.54657_54662dupCATCGT variant (also known as p.I18220_V18221dup), located in coding exon 153 of the TTN gene, results from an in-frame duplication of CATCGT at nucleotide positions 54657 to 54662. This results in the duplication of 2 extra residues (IV) between codons 18220 and 18221. This amino acid region is not well conserved in available vertebrate species. In addition, this alteration is predicted to be deleterious by in silico analysis (Choi Y et al. PLoS ONE. 2012; 7(10):e46688). Since supporting evidence is limited at this time, the clinical significance of this alteration remains unclear.

GeneDx
Classification: Uncertain significance. Last evaluated: 2024-06-25. Review status: criteria provided, single submitter. Criteria: GeneDx Variant Classification Process June 2021. Collection method: clinical testing. Allele origin: germline. Affected: yes.
Comment: Not observed at significant frequency in large population cohorts (gnomAD); Has not been previously published as pathogenic or benign to our knowledge

Blueprint Genetics
Classification: Likely benign. Last evaluated: 2022-06-17. Review status: criteria provided, single submitter. Criteria: ACMG Guidelines, 2015. Collection method: clinical testing. Allele origin: germline.

Fulgent Genetics
Classification: Uncertain significance for Tibial muscular dystrophy; Myopathy, myofibrillar, 9, with early respiratory failure; Dilated cardiomyopathy 1G; Autosomal recessive limb-girdle muscular dystrophy type 2J; Early-onset myopathy with fatal cardiomyopathy; Hypertrophic cardiomyopathy 9. Last evaluated: 2021-11-04. Review status: criteria provided, single submitter. Criteria: ACMG Guidelines, 2015. Collection method: clinical testing. Allele origin: unknown.

Eurofins Ntd Llc (ga)
Classification: Uncertain significance. Last evaluated: 2017-05-19. Review status: criteria provided, single submitter. Criteria: EGL Classification Definitions 2015. Collection method: clinical testing. Allele origin: germline. Observed: 1 variant allele, 1 heterozygote.

NM_001267550.2(TTN):c.81852_81857dup (p.Ile27285_Val27286dup)

Genes: TTN (titin; minus strand), TTN-AS1 (TTN antisense RNA 1; plus strand). Cytogenetic location: 2q31.2.
Variant type: Duplication.
Coding change: c.81852_81857dup on transcript NM_001267550.2 (MANE Select); coding-DNA positions 81852 to 81857, 6 bases duplicated (CATCGT; older notation c.81852_81857dupCATCGT).
Protein change: p.Ile27285_Val27286dup.
Molecular consequence: inframe insertion.
Genome position (GRCh38, 1-based): chr2:178,564,275-178,564,280, ACGATG duplicated on the plus strand (CATCGT on the coding strand, the reverse complement: TTN is on the minus strand); duplicating any 6 consecutive bases within chr2:178,564,275-178,564,282 gives the same sequence; the c. name uses the placement nearest the transcript's 3' end. VCF-style (leftmost placement, unchanged base first): chr2-178564274-A-AACGATG. GRCh37 (hg19) VCF-style: chr2-179429001-A-AACGATG.
Other names: c.81852_81857dup (NM_001267550.1); c.76929_76934dup, p.Ile25644_Val25645dup (NM_001256850.1); c.54657_54662dup, p.Ile18220_Val18221dup (NM_003319.4); c.74148_74153dup, p.Ile24717_Val24718dup (NM_133378.4); c.55032_55037dup, p.Ile18345_Val18346dup (NM_133432.3); c.55233_55238dup, p.Ile18412_Val18413dup (NM_133437.4); c.54657_54662dupCATCGT (NM_003319.4).
Identifiers: ClinVar variation 501959 (VCV000501959.11), dbSNP rs773439628, ClinGen allele CA1989143.